The following is an entry in ClinVar:

ClinVar aggregate classification (germline): Conflicting classifications of pathogenicity. Review status: criteria provided, conflicting classifications (1 of 4 stars). 4 submissions from 4 submitters: Uncertain significance (1); Likely benign (1). 2 of the submissions do not count toward it. Last evaluated 2025-08-27.

Allele frequency attached by ClinVar (database versions not stated): gnomAD 0.00009; TOPMed 0.00009; ESP Exome Variant Server 0.00028.
gnomAD v4.1: 117 of 1,202,565 alleles (0.0097%); highest among the groups gnomAD compares: Middle Eastern, 0.14%; no homozygotes.

Submissions (4):

Ambry Genetics
Classification: Uncertain significance. Last evaluated: 2025-08-27. Review status: criteria provided, single submitter. Criteria: Ambry Variant Classification Scheme 2023. Collection method: clinical testing. Allele origin: germline.

CeGaT Center for Human Genetics Tuebingen
Classification: Likely benign. Last evaluated: 2022-12-01. Review status: criteria provided, single submitter. Criteria: CeGaT Center For Human Genetics Tuebingen Variant Classification Criteria Version 2. Collection method: clinical testing. Allele origin: germline. Affected: yes. Observed: 1 variant allele.
Comment: WDR13: PP2, BS2

Clinical Genetics DNA and cytogenetics Diagnostics Lab, Erasmus MC, Erasmus Medical Center
Classification: Uncertain significance. Review status: no assertion criteria provided. Collection method: clinical testing. Allele origin: germline. Affected: yes. Study: VKGL Data-share Consensus. Not counted in ClinVar's aggregate classification.

Laboratory of Diagnostic Genome Analysis, Leiden University Medical Center (LUMC)
Classification: Uncertain significance. Review status: no assertion criteria provided. Collection method: clinical testing. Allele origin: germline. Affected: yes. Study: VKGL Data-share Consensus. Not counted in ClinVar's aggregate classification.

NM_001347217.2(WDR13):c.892G>T (p.Gly298Trp)

Gene: WDR13 (WD repeat domain 13; plus strand). Cytogenetic location: Xp11.23.
Variant type: single nucleotide variant.
Coding change: c.892G>T on transcript NM_001347217.2 (MANE Select); coding-DNA position 892, G replaced by T.
Protein change: p.Gly298Trp; replaces glycine 298 with tryptophan.
Molecular consequence: missense variant. On other transcripts: non-coding transcript variant (1).
Genome position (GRCh38, 1-based): chrX:48,601,844, G>T. VCF-style: chrX-48601844-G-T. GRCh37 (hg19) VCF-style: chrX-48460232-G-T.
Other names: c.892G>T (NM_017883.4); c.616G>T, p.Gly206Trp (NM_001166426.3, NM_001347219.2); c.892G>T, p.Gly298Trp (NM_017883.6); short protein forms G206W, G298W.
Identifiers: ClinVar variation 1206159 (VCV001206159.29), dbSNP rs201415075, ClinGen allele CA412859800.